The following is an entry in ClinVar:

NM_000051.4(ATM):c.31T>C (p.Cys11Arg)

Gene: ATM (ATM serine/threonine kinase; plus strand). Cytogenetic location: 11q22.3.
Variant type: single nucleotide variant.
Coding change: c.31T>C on transcript NM_000051.4 (MANE Select); coding-DNA position 31, T replaced by C.
Protein change: p.Cys11Arg; replaces cysteine 11 with arginine.
Molecular consequence: missense variant.
Genome position (GRCh38, 1-based): chr11:108,227,655, T>C. VCF-style: chr11-108227655-T-C. GRCh37 (hg19) VCF-style: chr11-108098382-T-C.
Other names: c.31T>C, p.Cys11Arg (NM_001351834.2, NM_001351835.2, NM_001351836.2); short protein forms C11R.
Identifiers: ClinVar variation 1728802 (VCV001728802.5), dbSNP rs2135004988, ClinGen allele CA382519067.

ClinVar aggregate classification (germline): Uncertain significance. Review status: criteria provided, multiple submitters, no conflicts (2 of 4 stars). 2 submissions from 2 submitters: Uncertain significance (2). Last evaluated 2024-06-19.

Conditions:
Hereditary cancer-predisposing syndrome. Also called: Neoplastic Syndromes, Hereditary; Tumor predisposition; Hereditary Cancer Syndrome; Hereditary neoplastic syndrome. Identifiers: Orphanet 140162, MedGen C0027672, MeSH D009386, MONDO:0015356.
Ataxia-telangiectasia syndrome (AT). Also called: LOUIS-BAR SYNDROME; Cerebello-oculocutaneous telangiectasia; Immunodeficiency with ataxia telangiectasia; Ataxia-telangiectasia, complementation group D; AT, COMPLEMENTATION GROUP C; ATAXIA-TELANGIECTASIA, COMPLEMENTATION GROUP A. Identifiers: Orphanet 100, MedGen C0004135, MONDO:0008840, OMIM 208900.

Submissions (2):

Labcorp Genetics (formerly Invitae), Labcorp
Classification: Uncertain significance for Ataxia-telangiectasia syndrome. Last evaluated: 2024-06-19. Review status: criteria provided, single submitter. Criteria: Invitae Variant Classification Sherloc (09022015). Collection method: clinical testing. Allele origin: germline.
Comment: This sequence change replaces cysteine, which is neutral and slightly polar, with arginine, which is basic and polar, at codon 11 of the ATM protein (p.Cys11Arg). This variant is not present in population databases (gnomAD no frequency). This variant has not been reported in the literature in individuals affected with ATM-related conditions. ClinVar contains an entry for this variant (Variation ID: 1728802). Advanced modeling of protein sequence and biophysical properties (such as structural, functional, and spatial information, amino acid conservation, physicochemical variation, residue mobility, and thermodynamic stability) has been performed at Invitae for this missense variant, however the output from this modeling did not meet the statistical confidence thresholds required to predict the impact of this variant on ATM protein function. In summary, the available evidence is currently insufficient to determine the role of this variant in disease. Therefore, it has been classified as a Variant of Uncertain Significance.

Ambry Genetics
Classification: Uncertain significance for Hereditary cancer-predisposing syndrome. Last evaluated: 2024-06-05. Review status: criteria provided, single submitter. Criteria: Ambry Variant Classification Scheme 2023. Collection method: clinical testing. Allele origin: germline.
Comment: The p.C11R variant (also known as c.31T>C), located in coding exon 1 of the ATM gene, results from a T to C substitution at nucleotide position 31. The cysteine at codon 11 is replaced by arginine, an amino acid with highly dissimilar properties. This amino acid position is highly conserved in available vertebrate species. In addition, this alteration is predicted to be deleterious by in silico analysis. Since supporting evidence is limited at this time, the clinical significance of this alteration remains unclear.